The following is an entry in ClinVar:

ClinVar aggregate classification (germline): Likely pathogenic (1 of 4 stars; one submission).

Conditions:
Intellectual developmental disorder, X-linked 99. Also called: Intellectual disability, X-linked 99. Identifiers: Orphanet 777, MedGen C3806746, MONDO:0010487, OMIM 300919.

Submission:

Victorian Clinical Genetics Services, Murdoch Childrens Research Institute
Classification: Likely pathogenic for Intellectual developmental disorder, X-linked 99. Last evaluated: 2023-07-17. Review status: criteria provided, single submitter. Criteria: ACMG Guidelines, 2015. Collection method: clinical testing. Allele origin: germline. Inheritance: X-linked recessive inheritance. Affected: yes.
Comment: Based on the classification scheme VCGS_Germline_v1.3.4, this variant is classified as Likely Pathogenic. Following criteria are met: 0102 - Loss of function is a known mechanism of disease in this gene and is associated with X-linked intellectual developmental disorder 99 (MIM#300919) and X-linked syndromic female-restricted intellectual developmental disorder 99 (MIM#300968). (I) 0108 - This gene is associated with both X-linked recessive and X-linked dominant disease. Partial loss of function variants result in X-linked recessive disease, predominantly affecting males. Variants resulting in a premature termination codon or a more complete loss of function are restricted to females in an X-linked dominant pattern of inheritance (PMIDs: 31443933, 26833328). (I) 0200 - Variant is predicted to result in a missense amino acid change from isoleucine to threonine. (I) 0253 - This variant is hemizygous. (I) 0301 - Variant is absent from gnomAD (both v2 and v3). (SP) 0502 - Missense variant with conflicting in silico predictions and uninformative conservation. (I) 0600 - Variant is located in the annotated ubiquitin carboxyl-terminal hydrolase domain (DECIPHER). (I) 0705 - No comparable missense variants have previous evidence for pathogenicity. (I) 0807 - This variant has no previous evidence of pathogenicity. (I) 0905 - No published segregation evidence has been identified for this variant. (I) 1007 - No published functional evidence has been identified for this variant. (SP) Legend: (SP) - Supporting pathogenic, (I) - Information, (SB) - Supporting benign

Literature cited by the submitters: PubMed 26833328; PubMed 31443933.

NM_001039591.3(USP9X):c.5357T>C (p.Ile1786Thr)

Gene: USP9X (ubiquitin specific peptidase 9 X-linked; plus strand). Cytogenetic location: Xp11.4.
Variant type: single nucleotide variant.
Coding change: c.5357T>C on transcript NM_001039591.3 (MANE Select); coding-DNA position 5357, T replaced by C.
Protein change: p.Ile1786Thr; replaces isoleucine 1786 with threonine.
Molecular consequence: missense variant.
Genome position (GRCh38, 1-based): chrX:41,215,924, T>C. VCF-style: chrX-41215924-T-C. GRCh37 (hg19) VCF-style: chrX-41075177-T-C.
Other names: c.5357T>C, p.Ile1786Thr (NM_001039590.3); c.5372T>C, p.Ile1791Thr (NM_001410748.1, NM_001410749.1); short protein forms I1786T, I1791T.
Identifiers: ClinVar variation 3376809 (VCV003376809.1).
Genomic context (GRCh38, chrX:41,215,924, plus strand): 5'-TAGAACATCTGGTAACTTTGTCTTGTTTATTTTAGGTTGATACCGTAAAGCGCTTGCTGA[T>C]TAAAAAATTACCTCCTGTTCTTGCTATACAACTAAAGCGATTTGACTATGACTGGGAAAG-3'
Protein context (NP_001034680.2, residues 1776-1796): KKVDTVKRLL[Ile1786Thr]KKLPPVLAIQ